The following is an entry in ClinVar:

ClinVar aggregate classification (germline): Uncertain significance (1 of 4 stars; one submission).

Conditions:
Inborn genetic diseases. Identifiers: MedGen C0950123, MeSH D030342.

Submission:

Ambry Genetics
Classification: Uncertain significance for Inborn genetic diseases. Last evaluated: 2025-03-02. Review status: criteria provided, single submitter. Criteria: Ambry Variant Classification Scheme 2023. Collection method: clinical testing. Allele origin: germline.
Comment: The p.H1133D variant (also known as c.3397C>G), located in coding exon 34 of the FANCA gene, results from a C to G substitution at nucleotide position 3397. The histidine at codon 1133 is replaced by aspartic acid, an amino acid with similar properties. This amino acid position is conserved. In addition, this alteration is predicted to be deleterious by in silico analysis. Based on the available evidence, the clinical significance of this variant remains unclear.

NM_000135.4(FANCA):c.3397C>G (p.His1133Asp)

Genes: FANCA (FA complementation group A; minus strand), LOC132090450 (Neanderthal introgressed variant-containing enhancer experimental_46718; plus strand). Cytogenetic location: 16q24.3.
Variant type: single nucleotide variant.
Coding change: c.3397C>G on transcript NM_000135.4 (MANE Select); coding-DNA position 3397, C replaced by G.
Protein change: p.His1133Asp; replaces histidine 1133 with aspartic acid.
Molecular consequence: missense variant.
Genome position (GRCh38, 1-based): chr16:89,746,842, G>C on the plus strand (C>G on the coding strand, the complement: FANCA is on the minus strand). VCF-style: chr16-89746842-G-C. GRCh37 (hg19) VCF-style: chr16-89813250-G-C.
Other names: c.3397C>G, p.His1133Asp (NM_001286167.3); short protein forms H1133D.
Identifiers: ClinVar variation 3848281 (VCV003848281.1).
Genomic context (GRCh38, chr16:89,746,842, plus strand): 5'-CCCACGGCGTTCTGAGAAGGCCACGAGAGGGGCTGAGGGAGCATCTCACCCTGAAGAAGT[G>C]GGCAGTGATGTCCTGTGTCAGGGCACCTCCGTGGGAGCAGAAGTTTCTCTGCAAAAGAGT-3'
Protein context (NP_000126.2, residues 1123-1143): GGALTQDITA[His1133Asp]FFRGLLNACL